The following is an entry in ClinVar:

NM_016122.3(CEP83):c.940G>T (p.Glu314Ter)

Gene: CEP83 (centrosomal protein 83; minus strand). Cytogenetic location: 12q22.
Variant type: single nucleotide variant.
Coding change: c.940G>T on transcript NM_016122.3 (MANE Select); coding-DNA position 940, G replaced by T.
Protein change: p.Glu314Ter; replaces glutamic acid 314 with a stop codon.
Molecular consequence: nonsense. On other transcripts: non-coding transcript variant (2).
Genome position (GRCh38, 1-based): chr12:94,370,030, C>A on the plus strand (G>T on the coding strand, the complement: CEP83 is on the minus strand). VCF-style: chr12-94370030-C-A. GRCh37 (hg19) VCF-style: chr12-94763806-C-A.
Other names: c.940G>T, p.Glu314Ter (NM_001042399.2, NM_001346457.2, NM_001346460.2 and 3 more transcripts); c.628G>T, p.Glu210Ter (NM_001346458.2, NM_001346459.2, NM_001346462.2 and 2 more transcripts); c.715G>T, p.Glu239Ter (NM_001368041.1); c.403G>T, p.Glu135Ter (NM_001368042.1); short protein forms E210*, E239*, E314*, E135*.
Identifiers: ClinVar variation 1935680 (VCV001935680.5), dbSNP rs1216945458, ClinGen allele CA386146248.
Genomic context (GRCh38, chr12:94,370,030, plus strand): 5'-TAGCTCTTGCTGTCTCCAGTTTGATGTCTGTTATTTCCAGTTTGTTTGAATGTTTAAGTT[C>A]TTTTACCTGTTGATAATTAAAAACTGAAATTACTATTGGTCATTTTCTTGCCATTCAATA-3'

ClinVar aggregate classification (germline): Pathogenic (1 of 4 stars; one submission).

Conditions:
Nephronophthisis 18 (NPHP18). Identifiers: Orphanet 655, MedGen C3890591, MONDO:0014374, OMIM 615862.

Allele frequency attached by ClinVar (database versions not stated): TOPMed below 0.00001; gnomAD 0.00001.

Submission:

Labcorp Genetics (formerly Invitae), Labcorp
Classification: Pathogenic for Nephronophthisis 18. Last evaluated: 2022-05-07. Review status: criteria provided, single submitter. Criteria: Invitae Variant Classification Sherloc (09022015). Collection method: clinical testing. Allele origin: germline.
Comment: This sequence change creates a premature translational stop signal (p.Glu314*) in the CEP83 gene. It is expected to result in an absent or disrupted protein product. Loss-of-function variants in CEP83 are known to be pathogenic (PMID: 23530209, 24882706). For these reasons, this variant has been classified as Pathogenic. Algorithms developed to predict the effect of sequence changes on RNA splicing suggest that this variant may disrupt the consensus splice site. This variant has not been reported in the literature in individuals affected with CEP83-related conditions. This variant is not present in population databases (gnomAD no frequency).

Literature cited by the submitters: PubMed 23530209; PubMed 24882706.